The following is an entry in ClinVar:

ClinVar aggregate classification (germline): Uncertain significance (1 of 4 stars; one submission).

Allele frequency attached by ClinVar (database versions not stated): ESP Exome Variant Server 0.00008.
gnomAD v4.1: 10 of 1,600,316 alleles (0.00062%); highest among the groups gnomAD compares: Middle Eastern, 0.017%; no homozygotes.

Submission:

Labcorp Genetics (formerly Invitae), Labcorp
Classification: Uncertain significance. Last evaluated: 2024-10-24. Review status: criteria provided, single submitter. Criteria: Invitae Variant Classification Sherloc (09022015). Collection method: clinical testing. Allele origin: germline.
Comment: This sequence change replaces arginine, which is basic and polar, with histidine, which is basic and polar, at codon 119 of the UCP2 protein (p.Arg119His). This variant is present in population databases (rs143754624, gnomAD 0.003%). This variant has not been reported in the literature in individuals affected with UCP2-related conditions. ClinVar contains an entry for this variant (Variation ID: 1977889). An algorithm developed to predict the effect of missense changes on protein structure and function outputs the following: PolyPhen-2: "Possibly Damaging". The histidine amino acid residue is found in multiple mammalian species, which suggests that this missense change does not adversely affect protein function. In summary, the available evidence is currently insufficient to determine the role of this variant in disease. Therefore, it has been classified as a Variant of Uncertain Significance.

NM_003355.3(UCP2):c.356G>A (p.Arg119His)

Gene: UCP2 (uncoupling protein 2; minus strand). Cytogenetic location: 11q13.4.
Variant type: single nucleotide variant.
Coding change: c.356G>A on transcript NM_003355.3 (MANE Select); coding-DNA position 356, G replaced by A.
Protein change: p.Arg119His; replaces arginine 119 with histidine.
Molecular consequence: missense variant. On other transcripts: intron variant (1).
Genome position (GRCh38, 1-based): chr11:73,976,999, C>T on the plus strand (G>A on the coding strand, the complement: UCP2 is on the minus strand). VCF-style: chr11-73976999-C-T. GRCh37 (hg19) VCF-style: chr11-73688044-C-T.
Other names: c.356G>A, p.Arg119His (NM_001381943.1, NM_001381944.1, NM_001381945.1 and 3 more transcripts); c.338-257G>A (NM_001381950.1); short protein forms R119H.
Identifiers: ClinVar variation 1977889 (VCV001977889.5), dbSNP rs143754624, ClinGen allele CA6181153.